The following is an entry in ClinVar:

ClinVar aggregate classification (germline): Uncertain significance (1 of 4 stars; one submission).

Conditions:
Hereditary motor and sensory neuropathy, Okinawa type (HMSNO). Also called: HEREDITARY MOTOR AND SENSORY NEUROPATHY, PROXIMAL TYPE. Identifiers: Orphanet 90117, MedGen C1858338, MONDO:0011468, OMIM 604484.
Hereditary spastic paraplegia 57. Also called: Spastic paraplegia 57, autosomal recessive. Identifiers: Orphanet 431329, MedGen C3714897, MONDO:0014295, OMIM 615658.

Submission:

Labcorp Genetics (formerly Invitae), Labcorp
Classification: Uncertain significance for Hereditary motor and sensory neuropathy, Okinawa type; Hereditary spastic paraplegia 57. Last evaluated: 2023-09-27. Review status: criteria provided, single submitter. Criteria: Invitae Variant Classification Sherloc (09022015). Collection method: clinical testing. Allele origin: germline.
Comment: This sequence change replaces proline, which is neutral and non-polar, with threonine, which is neutral and polar, at codon 94 of the TFG protein (p.Pro94Thr). This variant is not present in population databases (gnomAD no frequency). This variant has not been reported in the literature in individuals affected with TFG-related conditions. Advanced modeling of protein sequence and biophysical properties (such as structural, functional, and spatial information, amino acid conservation, physicochemical variation, residue mobility, and thermodynamic stability) performed at Invitae indicates that this missense variant is not expected to disrupt TFG protein function. In summary, the available evidence is currently insufficient to determine the role of this variant in disease. Therefore, it has been classified as a Variant of Uncertain Significance.

NM_006070.6(TFG):c.280C>A (p.Pro94Thr)

Gene: TFG (trafficking from ER to golgi regulator; plus strand). Cytogenetic location: 3q12.2.
Variant type: single nucleotide variant.
Coding change: c.280C>A on transcript NM_006070.6 (MANE Select); coding-DNA position 280, C replaced by A.
Protein change: p.Pro94Thr; replaces proline 94 with threonine.
Molecular consequence: missense variant.
Genome position (GRCh38, 1-based): chr3:100,728,723, C>A. VCF-style: chr3-100728723-C-A. GRCh37 (hg19) VCF-style: chr3-100447567-C-A.
Other names: c.280C>A, p.Pro94Thr (NM_001007565.2, NM_001195478.2, NM_001195479.2); short protein forms P94T.
Identifiers: ClinVar variation 2952327 (VCV002952327.3), dbSNP rs1282207535, ClinGen allele CA353842103.